The following is an entry in ClinVar:

NM_181507.2(HPS5):c.1519del (p.Ser507fs)

Gene: HPS5 (HPS5 biogenesis of lysosomal organelles complex 2 subunit 2; minus strand). Cytogenetic location: 11p15.1.
Variant type: Deletion.
Coding change: c.1519del on transcript NM_181507.2 (MANE Select); coding-DNA position 1519, one base deleted (T; older notation c.1519delT).
Protein change: p.Ser507fs; shifts the reading frame from serine 507.
Molecular consequence: frameshift variant.
Genome position (GRCh38, 1-based): chr11:18,296,114, A deleted on the plus strand (T on the coding strand, the reverse complement: HPS5 is on the minus strand); the first of 3 consecutive A bases (chr11:18,296,114-18,296,116); deleting any one gives the same sequence. VCF-style (leftmost placement, unchanged base first): chr11-18296113-GA-G. GRCh37 (hg19) VCF-style: chr11-18317660-GA-G.
Other names: c.1177del, p.Ser393fs (NM_181508.2, NM_001440930.1, NM_007216.4 and 7 more transcripts); c.1105del, p.Ser369fs (NM_001440929.1, NM_001440927.1, NM_001440928.1); c.1519del, p.Ser507fs (NM_001440931.1, NM_001440902.1, NM_001440903.1 and 5 more transcripts); c.1444del, p.Ser482fs (NM_001440907.1, NM_001440908.1, NM_001440909.1); c.1408del, p.Ser470fs (NM_001440913.1, NM_001440914.1, NM_001440915.1); c.1333del, p.Ser445fs (NM_001440918.1); c.1306del, p.Ser436fs (NM_001440919.1); short protein forms S436fs, S445fs, S482fs, S369fs, S393fs, S470fs, S507fs.
Identifiers: ClinVar variation 4774941 (VCV004774941.1).

ClinVar aggregate classification (germline): Pathogenic (1 of 4 stars; one submission).

Submission:

Labcorp Genetics (formerly Invitae), Labcorp
Classification: Pathogenic. Last evaluated: 2025-03-10. Review status: criteria provided, single submitter. Criteria: Invitae Variant Classification Sherloc (09022015). Collection method: clinical testing. Allele origin: germline.
Comment: This sequence change creates a premature translational stop signal (p.Ser507Leufs*5) in the HPS5 gene. It is expected to result in an absent or disrupted protein product. Loss-of-function variants in HPS5 are known to be pathogenic (PMID: 12548288, 15296495, 21833017, 26785811). This variant is not present in population databases (gnomAD no frequency). This variant has not been reported in the literature in individuals affected with HPS5-related conditions. For these reasons, this variant has been classified as Pathogenic.

Literature cited by the submitters: PubMed 12548288; PubMed 15296495; PubMed 21833017; PubMed 26785811.